The following is an entry in ClinVar:

NM_000093.5(COL5A1):c.3414dup (p.Pro1139fs)

Gene: COL5A1 (collagen type V alpha 1 chain; plus strand). Cytogenetic location: 9q34.3.
Variant type: Duplication.
Coding change: c.3414dup on transcript NM_000093.5 (MANE Select); coding-DNA position 3414, one base duplicated (G; older notation c.3414dupG).
Protein change: p.Pro1139fs; shifts the reading frame from proline 1139.
Molecular consequence: frameshift variant.
Genome position (GRCh38, 1-based): chr9:134,809,230, G duplicated; the last of 4 consecutive G bases (chr9:134,809,227-134,809,230); duplicating any one gives the same sequence. VCF-style (leftmost placement, unchanged base first): chr9-134809226-A-AG. GRCh37 (hg19) VCF-style: chr9-137701072-A-AG.
Other names: c.3414dup, p.Pro1139fs (NM_001278074.1); short protein forms P1139fs.
Identifiers: ClinVar variation 4730433 (VCV004730433.1).

ClinVar aggregate classification (germline): Pathogenic (1 of 4 stars; one submission).

Conditions:
Ehlers-Danlos syndrome, classic type, 1 (EDSCL1). Also called: EHLERS-DANLOS SYNDROME, GRAVIS TYPE; EHLERS-DANLOS SYNDROME, SEVERE CLASSIC TYPE; Ehlers-Danlos syndrome, type 1; Ehlers-Danlos Syndrome, Classic Type, COL5A1-Related; EDS I. Identifiers: MedGen C0268335, MONDO:0019567, OMIM 130000.

Submission:

Labcorp Genetics (formerly Invitae), Labcorp
Classification: Pathogenic for Ehlers-Danlos syndrome, classic type, 1. Last evaluated: 2025-11-08. Review status: criteria provided, single submitter. Criteria: Invitae Variant Classification Sherloc (09022015). Collection method: clinical testing. Allele origin: germline.
Comment: This sequence change creates a premature translational stop signal (p.Pro1139Alafs*20) in the COL5A1 gene. It is expected to result in an absent or disrupted protein product. Loss-of-function variants in COL5A1 are known to be pathogenic (PMID: 23587214). This variant is not present in population databases (gnomAD no frequency). This variant has not been reported in the literature in individuals affected with COL5A1-related conditions. For these reasons, this variant has been classified as Pathogenic.

Literature cited by the submitters: PubMed 23587214.